The following is an entry in ClinVar:

ClinVar aggregate classification (germline): Benign/Likely benign. Review status: criteria provided, multiple submitters, no conflicts (2 of 4 stars). 8 submissions from 7 submitters: Benign (6); Likely benign (2). Last evaluated 2026-07-01.

Conditions:
Autosomal recessive ataxia, Beauce type. Also called: ATAXIA, RECESSIVE, OF BEAUCE; SYNE1-Related Autosomal Recessive Cerebellar Ataxia; Spinocerebellar ataxia, autosomal recessive 8; SYNE1 Deficiency. Identifiers: Orphanet 88644, MedGen C1853116, MONDO:0012549, OMIM 610743.
Emery-Dreifuss muscular dystrophy 4, autosomal dominant (EDMD4). Also called: EMERY-DREIFUSS MUSCULAR DYSTROPHY 4 WITH VARIABLE FEATURES. Identifiers: Orphanet 261, MedGen C2751807, MONDO:0013071, OMIM 612998.

Allele frequency attached by ClinVar (database versions not stated): gnomAD 0.00106 and 0.00128; TOPMed 0.00124; ExAC 0.00165; gnomAD exomes 0.00170; 1000 Genomes Project 30x 0.00515; 1000 Genomes Project 0.00519.
gnomAD v4.1: 1,269 of 1,609,324 alleles (0.079%); highest among the groups gnomAD compares: East Asian, 1.4%; 8 homozygotes.

Submissions (13):

CeGaT Center for Human Genetics Tuebingen
Classification: Likely benign. Last evaluated: 2026-07-01. Review status: criteria provided, single submitter. Criteria: CeGaT Center For Human Genetics Tuebingen Variant Classification Criteria Version 2. Collection method: clinical testing. Allele origin: germline. Affected: yes. Observed: 2 variant alleles.
Comment: SYNE1: BP4, BS1

Labcorp Genetics (formerly Invitae), Labcorp
Classification: Benign for Emery-Dreifuss muscular dystrophy 4, autosomal dominant; Autosomal recessive ataxia, Beauce type. Last evaluated: 2026-01-25. Review status: criteria provided, single submitter. Criteria: Invitae Variant Classification Sherloc (09022015). Collection method: clinical testing. Allele origin: germline.

Blueprint Genetics
Classification: Likely benign. Last evaluated: 2024-11-06. Review status: criteria provided, single submitter. Criteria: ACMG Guidelines, 2015. Collection method: clinical testing. Allele origin: germline.

Athena Diagnostics
Classification: Benign. Last evaluated: 2018-02-28. Review status: criteria provided, single submitter. Criteria: Athena Diagnostics Criteria. Collection method: clinical testing. Allele origin: germline.

Illumina Laboratory Services, Illumina
Classification: Benign for Emery-Dreifuss muscular dystrophy 4, autosomal dominant. Last evaluated: 2018-01-13. Review status: criteria provided, single submitter. Criteria: ICSL Variant Classification Criteria 13 December 2019. Collection method: clinical testing. Allele origin: germline.
Comment: This variant was observed in the ICSL laboratory as part of a predisposition screen in an ostensibly healthy population. It had not been previously curated by ICSL or reported in the Human Gene Mutation Database (HGMD: prior to June 1st, 2018), and was therefore a candidate for classification through an automated scoring system. Utilizing variant allele frequency, disease prevalence and penetrance estimates, and inheritance mode, an automated score was calculated to assess if this variant is too frequent to cause the disease. Based on the score and internal cut-off values, a variant classified as benign is not then subjected to further curation. The score for this variant resulted in a classification of benign for this disease.

Illumina Laboratory Services, Illumina
Classification: Benign for Autosomal recessive ataxia, Beauce type. Last evaluated: 2018-01-13. Review status: criteria provided, single submitter. Criteria: ICSL Variant Classification Criteria 13 December 2019. Collection method: clinical testing. Allele origin: germline.
Comment: the same text as in the submission from Illumina Laboratory Services, Illumina above.

GeneDx
Classification: Benign. Last evaluated: 2017-11-09. Review status: criteria provided, single submitter. Criteria: GeneDx Variant Classification (06012015). Collection method: clinical testing. Allele origin: germline. Affected: yes.
Comment: This variant is considered likely benign or benign based on one or more of the following criteria: it is a conservative change, it occurs at a poorly conserved position in the protein, it is predicted to be benign by multiple in silico algorithms, and/or has population frequency not consistent with disease.

Eurofins Ntd Llc (ga)
Classification: Benign. Last evaluated: 2015-08-24. Review status: criteria provided, single submitter. Criteria: EGL Classification Definitions 2015. Collection method: clinical testing. Allele origin: germline. Observed: 1 variant allele, 1 heterozygote.

Dr. Peter K. Rogan Lab, Western University
No classification provided (evidence only). Condition: Acute myeloid leukemia. Review status: no classification provided. Collection method: in vitro. Allele origin: not applicable. Functional consequence: skipped exon. Not counted in ClinVar's aggregate classification.

Dr. Peter K. Rogan Lab, Western University
No classification provided (evidence only). Condition: Cervical cancer. Review status: no classification provided. Collection method: in vitro. Allele origin: not applicable. Functional consequence: retained intron. Not counted in ClinVar's aggregate classification.

Dr. Peter K. Rogan Lab, Western University
No classification provided (evidence only). Condition: Gastric cancer. Review status: no classification provided. Collection method: in vitro. Allele origin: not applicable. Functional consequence: retained intron. Not counted in ClinVar's aggregate classification.

Dr. Peter K. Rogan Lab, Western University
No classification provided (evidence only). Condition: Gastric cancer. Review status: no classification provided. Collection method: in vitro. Allele origin: not applicable. Functional consequence: retained intron. Not counted in ClinVar's aggregate classification.

Dr. Peter K. Rogan Lab, Western University
No classification provided (evidence only). Condition: Malignant tumor of esophagus. Review status: no classification provided. Collection method: in vitro. Allele origin: not applicable. Functional consequence: skipped exon. Not counted in ClinVar's aggregate classification.

NM_182961.4(SYNE1):c.21523-8T>G

Genes: SYNE1 (spectrin repeat containing nuclear envelope protein 1; minus strand), LOC126859836 (MED14-independent group 3 enhancer GRCh37_chr6:152542272-152543471; plus strand). Cytogenetic location: 6q25.2.
Variant type: single nucleotide variant.
Coding change: c.21523-8T>G on transcript NM_182961.4 (MANE Select); 8 bases into the intron before coding-DNA position 21523, T replaced by G.
Molecular consequence: intron variant.
Genome position (GRCh38, 1-based): chr6:152,221,567, A>C on the plus strand (T>G on the coding strand, the complement: SYNE1 is on the minus strand). VCF-style: chr6-152221567-A-C. GRCh37 (hg19) VCF-style: chr6-152542702-A-C.
Other names: c.21310-8T>G (NM_033071.5).
Identifiers: ClinVar variation 282236 (VCV000282236.22), dbSNP rs187773880, ClinGen allele CA4054121.
Genomic context (GRCh38, chr6:152,221,567, plus strand): 5'-GAGCCAAATTTCTGTAAGCTCCTTTCCTGTTTTTCCAGATCATCTTGGAGATTCTGCCCC[A>C]AAAAAAAGACCCATAGATGACATAACAGGATCTAAATTCTAATAAGCAAGTTTAAAAGGA-3'